The following is an entry in ClinVar:

NM_001114753.3(ENG):c.1528_1542del (p.Arg510_Gly514del)

Genes: ENG (endoglin; minus strand), LOC102723566 (uncharacterized LOC102723566; plus strand). Cytogenetic location: 9q34.11.
Variant type: Deletion.
Coding change: c.1528_1542del on transcript NM_001114753.3 (MANE Select); coding-DNA positions 1528 to 1542, 15 bases deleted (CGGGCGGCCAAGGGC).
Protein change: p.Arg510_Gly514del.
Genome position (GRCh38, 1-based): chr9:127,818,264-127,818,278, GCCCTTGGCCGCCCG deleted on the plus strand (CGGGCGGCCAAGGGC on the coding strand, the reverse complement: ENG is on the minus strand); deleting any 15 consecutive bases within chr9:127,818,264-127,818,283 gives the same sequence; the c. name uses the placement nearest the transcript's 3' end. VCF-style (leftmost placement, unchanged base first): chr9-127818263-TGCCCTTGGCCGCCCG-T. GRCh37 (hg19) VCF-style: chr9-130580542-TGCCCTTGGCCGCCCG-T.
Other names: c.1528_1542del, p.Arg510_Gly514del (NM_000118.4); c.982_996del, p.Arg328_Gly332del (NM_001278138.2).
Identifiers: ClinVar variation 4795743 (VCV004795743.1).
Genomic context (GRCh38, chr9:127,818,263, plus strand): 5'-GGAGGAGGAAGCTGAAGCGCGGGTCACCCTCGGGGCTTGGGGACAGCAGGCTCACACAGT[TGCCCTTGGCCGCCCG>T]GCCCTGGATGAGTTCCACGGTGCCTCCCTCAGGCCCCAAGTCCAGGTGGCAGCTGTCTAA-3'

ClinVar aggregate classification (germline): Uncertain significance (1 of 4 stars; one submission).

Submission:

GeneDx
Classification: Uncertain significance. Last evaluated: 2025-08-12. Review status: criteria provided, single submitter. Criteria: GeneDx Variant Classification Process June 2021. Collection method: clinical testing. Allele origin: germline. Affected: yes.
Comment: Not observed at significant frequency in large population cohorts (gnomAD); In-frame deletion of 5 amino acid(s) in a non-repeat region; In silico analysis suggests that this variant does not alter protein structure/function; Has not been previously published as pathogenic or benign to our knowledge